The following is an entry in ClinVar:

NM_000518.5(HBB):c.-130T>C

Genes: HBB (hemoglobin subunit beta; minus strand), LOC106099062 (HBB recombination region; plus strand), LOC107133510 (origin of replication at HBB; plus strand). Cytogenetic location: 11p15.4.
Variant type: single nucleotide variant.
Coding change: c.-130T>C on transcript NM_000518.5 (MANE Select); 130 bases upstream of the start codon, T replaced by C.
Genome position (GRCh38, 1-based): chr11:5,227,151, A>G on the plus strand (T>C on the coding strand, the complement: HBB is on the minus strand). VCF-style: chr11-5227151-A-G. GRCh37 (hg19) VCF-style: chr11-5248381-A-G.
Identifiers: ClinVar variation 2682478 (VCV002682478.1), dbSNP rs1228872998, ClinGen allele CA677538291.

ClinVar aggregate classification (germline): Uncertain significance (1 of 4 stars; one submission).

Allele frequency attached by ClinVar (database versions not stated): gnomAD exomes below 0.00001; gnomAD 0.00001; TOPMed 0.00002.

Submission:

Women's Health and Genetics/Laboratory Corporation of America, LabCorp
Classification: Uncertain significance. Last evaluated: 2023-11-13. Review status: criteria provided, single submitter. Criteria: LabCorp Variant Classification Summary - May 2015. Collection method: clinical testing. Allele origin: germline.
Comment: Variant summary: HBB c.-130T>C is located in the untranscribed region upstream of the HBB gene region. The variant was absent in 31398 control chromosomes (gnomAD). The available data on variant occurrences in the general population are insufficient to allow any conclusion about variant significance. To our knowledge, no occurrence of c.-130T>C in individuals affected with Hemoglobinopathy and no experimental evidence demonstrating its impact on protein function have been reported. No submitters have cited clinical-significance assessments for this variant to ClinVar after 2014. Based on the evidence outlined above, the variant was classified as uncertain significance.